The following is an entry in ClinVar:

ClinVar aggregate classification (germline): Uncertain significance (1 of 4 stars; one submission).

gnomAD v4.1: 25 of 1,612,994 alleles (0.0015%); highest among the groups gnomAD compares: African/African-American, 0.0067%; no homozygotes.

Submission:

GeneDx
Classification: Uncertain significance. Last evaluated: 2025-08-14. Review status: criteria provided, single submitter. Criteria: GeneDx Variant Classification Process June 2021. Collection method: clinical testing. Allele origin: germline. Affected: yes.
Comment: Not observed at significant frequency in large population cohorts (gnomAD); In silico analysis suggests that this missense variant does not alter protein structure/function; Has not been previously published as pathogenic or benign to our knowledge

NM_020442.6(VARS2):c.3026A>G (p.Gln1009Arg)

Gene: VARS2 (valyl-tRNA synthetase 2, mitochondrial; plus strand). Cytogenetic location: 6p21.33.
Variant type: single nucleotide variant.
Coding change: c.3026A>G on transcript NM_020442.6 (MANE Select); coding-DNA position 3026, A replaced by G.
Protein change: p.Gln1009Arg; replaces glutamine 1009 with arginine.
Molecular consequence: missense variant.
Genome position (GRCh38, 1-based): chr6:30,925,944, A>G. VCF-style: chr6-30925944-A-G. GRCh37 (hg19) VCF-style: chr6-30893721-A-G.
Other names: c.2606A>G, p.Gln869Arg (NM_001167733.3); c.3116A>G, p.Gln1039Arg (NM_001167734.2); short protein forms Q869R, Q1009R, Q1039R.
Identifiers: ClinVar variation 4795601 (VCV004795601.1).